The following is an entry in ClinVar:

NM_001005271.3(CHD3):c.190C>T (p.Arg64Cys)

Genes: CHD3 (chromodomain helicase DNA binding protein 3; plus strand), NAA38 (N-alpha-acetyltransferase 38, NatC auxiliary subunit; minus strand). Cytogenetic location: 17p13.1.
Variant type: single nucleotide variant.
Coding change: c.190C>T on transcript NM_001005271.3; coding-DNA position 190, C replaced by T.
Protein change: p.Arg64Cys; replaces arginine 64 with cysteine.
Molecular consequence: missense variant. On other transcripts: intron variant (1).
Genome position (GRCh38, 1-based): chr17:7,884,996, C>T. VCF-style: chr17-7884996-C-T. GRCh37 (hg19) VCF-style: chr17-7788314-C-T.
Other names: c.190C>T, p.Arg64Cys (NM_001437504.1, NM_001437507.1, NM_001437508.1 and 1 more transcripts); c.-167+169G>A (NM_001330111.2); short protein forms R64C.
Identifiers: ClinVar variation 3603229 (VCV003603229.1).
Genomic context (GRCh38, chr17:7,884,996, plus strand): 5'-GAGGAGGACGACGACGAGGGAGTACTCGGGCGCGGGCCGGGCCACGACCGGGGCCGCGAC[C>T]GCCACAGCCCCCCCGGCTGCCACCTCTTCCCGCCGCCGCCGCCGCCGCCGCCACCGCTGC-3'

ClinVar aggregate classification (germline): Uncertain significance (1 of 4 stars; one submission).

gnomAD v4.1: 3 of 1,238,868 alleles (0.00024%); highest among the groups gnomAD compares: Non-Finnish European, 0.0003%; no homozygotes.

Submission:

GeneDx
Classification: Uncertain significance. Last evaluated: 2024-08-05. Review status: criteria provided, single submitter. Criteria: GeneDx Variant Classification Process June 2021. Collection method: clinical testing. Allele origin: germline. Affected: yes.
Comment: Not observed at significant frequency in large population cohorts (gnomAD); In silico analysis indicates that this missense variant does not alter protein structure/function; Has not been previously published as pathogenic or benign to our knowledge